The following is an entry in ClinVar:

NM_177438.3(DICER1):c.3415A>G (p.Arg1139Gly)

Gene: DICER1 (dicer 1, ribonuclease III; minus strand). Cytogenetic location: 14q32.13.
Variant type: single nucleotide variant.
Coding change: c.3415A>G on transcript NM_177438.3 (MANE Select); coding-DNA position 3415, A replaced by G.
Protein change: p.Arg1139Gly; replaces arginine 1139 with glycine.
Molecular consequence: missense variant. On other transcripts: non-coding transcript variant (6).
Genome position (GRCh38, 1-based): chr14:95,103,981, T>C on the plus strand (A>G on the coding strand, the complement: DICER1 is on the minus strand). VCF-style: chr14-95103981-T-C. GRCh37 (hg19) VCF-style: chr14-95570318-T-C.
Other names: c.3415A>G, p.Arg1139Gly (NM_001195573.1, NM_001271282.3, NM_001291628.2 and 12 more transcripts); c.3133A>G, p.Arg1045Gly (NM_001395686.1); c.3010A>G, p.Arg1004Gly (NM_001395687.1, NM_001395688.1, NM_001395689.1 and 2 more transcripts); c.2848A>G, p.Arg950Gly (NM_001395691.1); c.1732A>G, p.Arg578Gly (NM_001395697.1); short protein forms R950G, R578G, R1004G, R1045G, R1139G.
Identifiers: ClinVar variation 4011669 (VCV004011669.1).

ClinVar aggregate classification (germline): Uncertain significance (1 of 4 stars; one submission).

Conditions:
Hereditary cancer-predisposing syndrome. Also called: Tumor predisposition; Hereditary neoplastic syndrome; Neoplastic Syndromes, Hereditary; Hereditary Cancer Syndrome. Identifiers: Orphanet 140162, MedGen C0027672, MeSH D009386, MONDO:0015356.

Submission:

Ambry Genetics
Classification: Uncertain significance for Hereditary cancer-predisposing syndrome. Last evaluated: 2025-05-21. Review status: criteria provided, single submitter. Criteria: Ambry Variant Classification Scheme 2023. Collection method: clinical testing. Allele origin: germline.
Comment: The p.R1139G variant (also known as c.3415A>G), located in coding exon 20 of the DICER1 gene, results from an A to G substitution at nucleotide position 3415. The arginine at codon 1139 is replaced by glycine, an amino acid with dissimilar properties. This amino acid position is conserved. In addition, the in silico prediction for this alteration is inconclusive. Based on the available evidence, the clinical significance of this variant remains unclear.